The following is an entry in ClinVar:

ClinVar aggregate classification (germline): Uncertain significance (1 of 4 stars; one submission).

Submission:

Labcorp Genetics (formerly Invitae), Labcorp
Classification: Uncertain significance. Last evaluated: 2022-09-25. Review status: criteria provided, single submitter. Criteria: Invitae Variant Classification Sherloc (09022015). Collection method: clinical testing. Allele origin: germline.
Comment: This sequence change replaces glycine, which is neutral and non-polar, with cysteine, which is neutral and slightly polar, at codon 67 of the DDX41 protein (p.Gly67Cys). This variant is not present in population databases (gnomAD no frequency). This variant has not been reported in the literature in individuals affected with DDX41-related conditions. Algorithms developed to predict the effect of missense changes on protein structure and function are either unavailable or do not agree on the potential impact of this missense change (SIFT: "Not Available"; PolyPhen-2: "Probably Damaging"; Align-GVGD: "Not Available"). In summary, the available evidence is currently insufficient to determine the role of this variant in disease. Therefore, it has been classified as a Variant of Uncertain Significance.

NM_016222.4(DDX41):c.199G>T (p.Gly67Cys)

Gene: DDX41 (DEAD-box helicase 41; minus strand). Cytogenetic location: 5q35.3.
Variant type: single nucleotide variant.
Coding change: c.199G>T on transcript NM_016222.4 (MANE Select); coding-DNA position 199, G replaced by T.
Protein change: p.Gly67Cys; replaces glycine 67 with cysteine.
Molecular consequence: missense variant. On other transcripts: 5 prime UTR variant (2).
Genome position (GRCh38, 1-based): chr5:177,516,387, C>A on the plus strand (G>T on the coding strand, the complement: DDX41 is on the minus strand). VCF-style: chr5-177516387-C-A. GRCh37 (hg19) VCF-style: chr5-176943388-C-A.
Other names: c.-180G>T (NM_001321732.2, NM_001321830.2); short protein forms G67C.
Identifiers: ClinVar variation 1720317 (VCV001720317.5), dbSNP rs970338234, ClinGen allele CA362377323.
Genomic context (GRCh38, chr5:177,516,387, plus strand): 5'-GGCTGACGTTGGACTGAGGGCCTAGCGGGATGTCGTCCTCATCTCCCCGGGGTTCACTAC[C>A]GCTGTCCTGCTGCTCTTCCTCCGCAGCTCCCTTGCGTCTTCGCTGCAGCAGCTTCTGGAG-3'
Protein context (NP_057306.2, residues 57-77): GAAEEEQQDS[Gly67Cys]SEPRGDEDDI